The following is an entry in ClinVar:

NM_001385079.1(PDE10A):c.866-32886T>A

Gene: PDE10A (phosphodiesterase 10A; minus strand). Cytogenetic location: 6q27.
Variant type: single nucleotide variant.
Coding change: c.866-32886T>A on transcript NM_001385079.1 (MANE Select); 32886 bases into the intron before coding-DNA position 866, T replaced by A.
Molecular consequence: intron variant. On other transcripts: 5 prime UTR variant (1).
Genome position (GRCh38, 1-based): chr6:165,576,454, A>T on the plus strand (T>A on the coding strand, the complement: PDE10A is on the minus strand). VCF-style: chr6-165576454-A-T. GRCh37 (hg19) VCF-style: chr6-165989942-A-T.
Other names: c.-6T>A (NM_006661.4); c.68-32886T>A (NM_001130690.3).
Identifiers: ClinVar variation 3038031 (VCV003038031.3), dbSNP rs79199585, ClinGen allele CA4092650.
Genomic context (GRCh38, chr6:165,576,454, plus strand): 5'-TTCGTGTCCTCTACTCACCTGTTAAATGTTGGGATTTCCTCTCTTCTATCCTCATTCTAC[A>T]TTCTTTTCCTTCAAAGTCTTCTCTACCCCCATCTCTTCAACTGTAACATCTCTGTGGATG-3'

ClinVar aggregate classification (germline): Likely benign. Review status: criteria provided, single submitter (1 of 4 stars). 2 submissions from 2 submitters: Likely benign (1). 1 of the submissions does not count toward it. Last evaluated 2024-11-25.

Conditions:
PDE10A-related disorder. Also called: PDE10A-related condition.

Allele frequency attached by ClinVar (database versions not stated): gnomAD 0.00078; ExAC 0.00081; TOPMed 0.00084; gnomAD exomes 0.00085; 1000 Genomes Project 30x 0.00125; ESP Exome Variant Server 0.00138; 1000 Genomes Project 0.00160.
gnomAD v4.1: 643 of 780,806 alleles (0.082%); highest among the groups gnomAD compares: Non-Finnish European, 0.12%; 2 homozygotes.

Submissions (2):

Blueprint Genetics
Classification: Likely benign. Last evaluated: 2024-11-25. Review status: criteria provided, single submitter. Criteria: ACMG Guidelines, 2015. Collection method: clinical testing. Allele origin: germline.

PreventionGenetics, part of Exact Sciences
Classification: Likely benign for PDE10A-related condition. Last evaluated: 2024-04-23. Review status: no assertion criteria provided. Collection method: clinical testing. Allele origin: germline. Not counted in ClinVar's aggregate classification.
Comment: This variant is classified as likely benign based on ACMG/AMP sequence variant interpretation guidelines (Richards et al. 2015 PMID: 25741868, with internal and published modifications).